The following is an entry in ClinVar:

ClinVar aggregate classification (germline): Benign/Likely benign. Review status: criteria provided, multiple submitters, no conflicts (2 of 4 stars). 5 submissions from 5 submitters: Benign (1); Likely benign (4). Last evaluated 2026-05-21.

Conditions:
Hereditary cancer-predisposing syndrome. Also called: Tumor predisposition; Hereditary neoplastic syndrome; Neoplastic Syndromes, Hereditary; Hereditary Cancer Syndrome. Identifiers: Orphanet 140162, MedGen C0027672, MeSH D009386, MONDO:0015356.
Neurofibromatosis, type 1 (NF1). Also called: Neurofibromatosis, type I; NEUROFIBROMATOSIS, TYPE I, SOMATIC; VON RECKLINGHAUSEN DISEASE; Peripheral type neurofibromatosis. Identifiers: Orphanet 636, MedGen C0027831, MONDO:0018975, OMIM 162200. Disease mechanism: loss of function.

Allele frequency attached by ClinVar (database versions not stated): TOPMed 0.00001.
gnomAD v4.1: 30 of 1,613,964 alleles (0.0019%); highest among the groups gnomAD compares: Non-Finnish European, 0.0025%; no homozygotes.

Submissions (5):

Myriad Genetics, Inc.
Classification: Benign for Neurofibromatosis, type 1. Last evaluated: 2026-05-21. Review status: criteria provided, single submitter. Criteria: Myriad Autosomal Dominant, Autosomal Recessive and X-Linked Classification Criteria (2023). Collection method: clinical testing. Allele origin: unknown.
Comment: This variant is considered benign. This variant is a silent/synonymous amino acid change and it is not expected to impact splicing.

Labcorp Genetics (formerly Invitae), Labcorp
Classification: Likely benign for Neurofibromatosis, type 1. Last evaluated: 2026-01-14. Review status: criteria provided, single submitter. Criteria: Invitae Variant Classification Sherloc (09022015). Collection method: clinical testing. Allele origin: germline.

Center for Genomic Medicine, Rigshospitalet, Copenhagen University Hospital
Classification: Likely benign. Last evaluated: 2025-12-29. Review status: criteria provided, single submitter. Criteria: ACMG Guidelines, 2015. Collection method: clinical testing. Allele origin: germline.

Genome-Nilou Lab
Classification: Likely benign for Neurofibromatosis, type 1. Last evaluated: 2022-03-15. Review status: criteria provided, single submitter. Criteria: ACMG Guidelines, 2015. Collection method: clinical testing. Allele origin: germline. Affected: no.

Ambry Genetics
Classification: Likely benign for Hereditary cancer-predisposing syndrome. Last evaluated: 2016-02-24. Review status: criteria provided, single submitter. Criteria: Ambry Autosomal Dominant and X-Linked criteria (10/2015). Collection method: clinical testing. Allele origin: germline. Observed: 1 variant allele.
Comment: Synonymous alterations with insufficient evidence to classify as benign

NM_001042492.3(NF1):c.7026G>T (p.Leu2342=)

Gene: NF1 (neurofibromin 1; plus strand). Cytogenetic location: 17q11.2.
Variant type: single nucleotide variant.
Coding change: c.7026G>T on transcript NM_001042492.3 (MANE Select); coding-DNA position 7026, G replaced by T.
Protein change: p.Leu2342=; no amino-acid change (leucine 2342 retained).
Molecular consequence: synonymous variant.
Genome position (GRCh38, 1-based): chr17:31,340,609, G>T. VCF-style: chr17-31340609-G-T. GRCh37 (hg19) VCF-style: chr17-29667627-G-T.
Other names: c.6963G>T, p.Leu2321= (NM_000267.4).
Identifiers: ClinVar variation 220479 (VCV000220479.15), dbSNP rs371581213, ClinGen allele CA348165.
Genomic context (GRCh38, chr17:31,340,609, plus strand): 5'-GCTGCAGCTTGATGAGGTCAACTTGTATTCAGCAGGTACCGCACTTCTTGAACAAAACCT[G>T]CATACTTTAGATAGTCTCCGTATATTCAATGACAAGGTAAGCAAACTTTGCCTTGAGGTT-3'
Protein context (NP_001035957.1, residues 2332-2352): SAGTALLEQN[Leu2342=]HTLDSLRIFN